The following is an entry in ClinVar:

ClinVar aggregate classification (germline): Uncertain significance (1 of 4 stars; one submission).

Conditions:
Anauxetic dysplasia. Identifiers: Orphanet 93347, MedGen C1846796, MONDO:0011773.

Submission:

Labcorp Genetics (formerly Invitae), Labcorp
Classification: Uncertain significance for Anauxetic dysplasia. Last evaluated: 2021-09-01. Review status: criteria provided, single submitter. Criteria: Invitae Variant Classification Sherloc (09022015). Collection method: clinical testing. Allele origin: germline.
Comment: This variant occurs in the RMRP gene, which encodes an RNA molecule that does not result in a protein product. The frequency data for this variant in the population databases is considered unreliable, as metrics indicate insufficient coverage at this position in the ExAC database. This variant has not been reported in the literature in individuals affected with RMRP-related conditions. In summary, the available evidence is currently insufficient to determine the role of this variant in disease. Therefore, it has been classified as a Variant of Uncertain Significance.

NC_000009.12:g.35657751_35657753del

Gene: RMRP (RNA component of mitochondrial RNA processing endoribonuclease; minus strand). Cytogenetic location: 9p13.3.
Variant type: Deletion.
Genome position: GRCh38 VCF-style: chr9-35657749-AAAC-A. GRCh37 (hg19) VCF-style: chr9-35657746-AAAC-A.
Identifiers: ClinVar variation 2085195 (VCV002085195.1), dbSNP rs2490599405, ClinGen allele CA2580080428.